The following is an entry in ClinVar:

NM_002693.3(POLG):c.3560G>A (p.Arg1187Gln)

Gene: POLG (DNA polymerase gamma, catalytic subunit; minus strand). Cytogenetic location: 15q26.1.
Variant type: single nucleotide variant.
Coding change: c.3560G>A on transcript NM_002693.3 (MANE Select); coding-DNA position 3560, G replaced by A.
Protein change: p.Arg1187Gln; replaces arginine 1187 with glutamine.
Molecular consequence: missense variant.
Genome position (GRCh38, 1-based): chr15:89,317,459, C>T on the plus strand (G>A on the coding strand, the complement: POLG is on the minus strand). VCF-style: chr15-89317459-C-T. GRCh37 (hg19) VCF-style: chr15-89860690-C-T.
Other names: c.3560G>A, p.Arg1187Gln (NM_001126131.2); short protein forms R1187Q.
Identifiers: ClinVar variation 594667 (VCV000594667.17), dbSNP rs199678775, ClinGen allele CA7724097.

ClinVar aggregate classification (germline): Uncertain significance. Review status: criteria provided, multiple submitters, no conflicts (2 of 4 stars). 5 submissions from 5 submitters: Uncertain significance (4). 1 of the submissions does not count toward it. Last evaluated 2025-01-06.

Conditions:
POLG-related disorder. Also called: POLG-Related Spectrum Disorders; POLG-related condition; POLG-Related Disorders. Identifiers: MedGen C4763519.
Mitochondrial DNA depletion syndrome 1. Also called: Mitochondrial DNA Depletion Syndrome, MNGIE Form; Mitochondrial Neurogastrointestinal Encephalopathy Disease; MITOCHONDRIAL NEUROGASTROINTESTINAL ENCEPHALOPATHY SYNDROME, TYMP-RELATED; MNGIE, TYMP-RELATED; Mitochondrial DNA depletion syndrome 1 (MNGIE type); Mitochondrial neurogastrointestinal encephalomyopathy syndrome. Identifiers: Orphanet 298, MedGen C4551995, MONDO:0011283, OMIM 603041.
Progressive sclerosing poliodystrophy (MTDPS4A). Also called: Mitochondrial DNA depletion syndrome 4A (Alpers type); Mitochondrial DNA Depletion Syndrome 4A; Alpers Syndrome; ALPERS DIFFUSE DEGENERATION OF CEREBRAL GRAY MATTER WITH HEPATIC CIRRHOSIS; Alpers-Huttenlocher Syndrome; ALPERS PROGRESSIVE INFANTILE POLIODYSTROPHY. Identifiers: Orphanet 726, MedGen C0205710, MONDO:0008758, OMIM 203700.
Mitochondrial DNA depletion syndrome 4b. Also called: MNGIE, POLG-RELATED; Mitochondrial Neurogastrointestinal Encephalopathy Disease, POLG-Related. Identifiers: Orphanet 298, MedGen C3150914, MONDO:0013350, OMIM 613662.
Progressive external ophthalmoplegia with mitochondrial DNA deletions, autosomal dominant 1 (PEOA1). Also called: PROGRESSIVE EXTERNAL OPHTHALMOPLEGIA, AUTOSOMAL DOMINANT 1; Autosomal Dominant Progressive External Ophthalmoplegia (adPEO). Identifiers: MedGen C1834846, MONDO:0024528, OMIM 157640.
Progressive external ophthalmoplegia with mitochondrial DNA deletions, autosomal recessive 1 (PEOB1). Also called: Progressive external ophthalmoplegia, autosomal recessive 1; Autosomal Recessive Progressive External Ophthalmoplegia (arPEO). Identifiers: Orphanet 254886, MedGen C4225153, MONDO:0009783, OMIM 258450.
Sensory ataxic neuropathy, dysarthria, and ophthalmoparesis (SANDO). Also called: SENSORY ATAXIC NEUROPATHY WITH MITOCHONDRIAL DNA DELETIONS, AUTOSOMAL RECESSIVE; Sensory ataxic neuropathy-dysarthria-ophthalmoparesis syndrome; Epilepsy, progressive myoclonic, type 5; Ataxia Neuropathy Spectrum (ANS). Identifiers: Orphanet 70595, MedGen C1843851, MONDO:0011835, OMIM 607459.

Allele frequency attached by ClinVar (database versions not stated): TOPMed 0.00001; ExAC 0.00002; gnomAD exomes 0.00002.
gnomAD v4.1: 32 of 1,613,926 alleles (0.002%); highest among the groups gnomAD compares: Admixed American, 0.0033%; no homozygotes.

Submissions (5):

Labcorp Genetics (formerly Invitae), Labcorp
Classification: Uncertain significance for Progressive sclerosing poliodystrophy. Last evaluated: 2025-01-06. Review status: criteria provided, single submitter. Criteria: Invitae Variant Classification Sherloc (09022015). Collection method: clinical testing. Allele origin: germline.
Comment: This sequence change replaces arginine, which is basic and polar, with glutamine, which is neutral and polar, at codon 1187 of the POLG protein (p.Arg1187Gln). This variant is present in population databases (rs199678775, gnomAD 0.006%). This variant has not been reported in the literature in individuals affected with POLG-related conditions. ClinVar contains an entry for this variant (Variation ID: 594667). Invitae Evidence Modeling of protein sequence and biophysical properties (such as structural, functional, and spatial information, amino acid conservation, physicochemical variation, residue mobility, and thermodynamic stability) indicates that this missense variant is not expected to disrupt POLG protein function with a negative predictive value of 95%. In summary, the available evidence is currently insufficient to determine the role of this variant in disease. Therefore, it has been classified as a Variant of Uncertain Significance.

Athena Diagnostics
Classification: Uncertain significance. Last evaluated: 2024-05-20. Review status: criteria provided, single submitter. Criteria: Athena Diagnostics Criteria. Collection method: clinical testing. Allele origin: unknown.
Comment: Available data are insufficient to determine the clinical significance of the variant at this time. The frequency of this variant in the general population is uninformative in assessment of its pathogenicity. At least one other missense variant at this codon is considered to be benign or likely benign, suggesting this variant may not cause disease. Polyphen and MutationTaster predict this amino acid change may be benign.

Fulgent Genetics
Classification: Uncertain significance for Progressive external ophthalmoplegia with mitochondrial DNA deletions, autosomal dominant 1; Progressive sclerosing poliodystrophy; Progressive external ophthalmoplegia with mitochondrial DNA deletions, autosomal recessive 1; Mitochondrial DNA depletion syndrome 1; Sensory ataxic neuropathy, dysarthria, and ophthalmoparesis; Mitochondrial DNA depletion syndrome 4b. Last evaluated: 2022-02-22. Review status: criteria provided, single submitter. Criteria: ACMG Guidelines, 2015. Collection method: clinical testing. Allele origin: unknown.

Eurofins Ntd Llc (ga)
Classification: Uncertain significance. Last evaluated: 2017-10-20. Review status: criteria provided, single submitter. Criteria: EGL Classification Definitions 2015. Collection method: clinical testing. Allele origin: germline. Observed: 1 variant allele, 1 heterozygote.

PreventionGenetics, part of Exact Sciences
Classification: Uncertain significance for POLG-related condition. Last evaluated: 2024-02-07. Review status: no assertion criteria provided. Collection method: clinical testing. Allele origin: germline. Not counted in ClinVar's aggregate classification.
Comment: The POLG c.3560G>A variant is predicted to result in the amino acid substitution p.Arg1187Gln. To our knowledge, this variant has not been reported in the literature in association with POLG-related disease. It has been reported in the heterozygous state in a single control individual from a leprosy cohort (Wang et al. 2017. PubMed ID: 28958595, Table S5). At this time, the clinical significance of this variant is uncertain.